The following is an entry in ClinVar:

NM_001376.5(DYNC1H1):c.12180C>G (p.Ala4060=)

Gene: DYNC1H1 (dynein cytoplasmic 1 heavy chain 1; plus strand). Cytogenetic location: 14q32.31.
Variant type: single nucleotide variant.
Coding change: c.12180C>G on transcript NM_001376.5 (MANE Select); coding-DNA position 12180, C replaced by G.
Protein change: p.Ala4060=; no amino-acid change (alanine 4060 retained).
Molecular consequence: synonymous variant.
Genome position (GRCh38, 1-based): chr14:102,042,090, C>G. VCF-style: chr14-102042090-C-G. GRCh37 (hg19) VCF-style: chr14-102508427-C-G.
Identifiers: ClinVar variation 386895 (VCV000386895.5), dbSNP rs754694929, ClinGen allele CA16607550.
Genomic context (GRCh38, chr14:102,042,090, plus strand): 5'-TGTCTTAATGTGCTCTGTGCCTGGTTATGATGCCAGTGGACATGTCGAGGACCTTGCAGC[C>G]GAGCAGAACACGCAGATCACTTCAATTGCAATCGGTAAGGATGCTTGAGGGGCTTCATGG-3'
Protein context (NP_001367.2, residues 4050-4070): DASGHVEDLA[Ala4060=]EQNTQITSIA

ClinVar aggregate classification (germline): Likely benign. Review status: criteria provided, multiple submitters, no conflicts (2 of 4 stars). 2 submissions from 2 submitters: Likely benign (2). Last evaluated 2022-04-30.

Conditions:
Charcot-Marie-Tooth disease axonal type 2O. Also called: CHARCOT-MARIE-TOOTH NEUROPATHY, AXONAL, TYPE 2O; CHARCOT-MARIE-TOOTH DISEASE, AXONAL, AUTOSOMAL DOMINANT, TYPE 2O; Charcot-Marie-Tooth Neuropathy Type 2O; Charcot-Marie-Tooth disease, axonal, type 20. Identifiers: Orphanet 284232, MedGen C3280220, MONDO:0013644, OMIM 614228.

Submissions (2):

Labcorp Genetics (formerly Invitae), Labcorp
Classification: Likely benign for Charcot-Marie-Tooth disease axonal type 2O. Last evaluated: 2022-04-30. Review status: criteria provided, single submitter. Criteria: Invitae Variant Classification Sherloc (09022015). Collection method: clinical testing. Allele origin: germline.

GeneDx
Classification: Likely benign. Last evaluated: 2016-06-10. Review status: criteria provided, single submitter. Criteria: GeneDx Variant Classification (06012015). Collection method: clinical testing. Allele origin: germline. Affected: yes.
Comment: This variant is considered likely benign or benign based on one or more of the following criteria: it is a conservative change, it occurs at a poorly conserved position in the protein, it is predicted to be benign by multiple in silico algorithms, and/or has population frequency not consistent with disease.